The following is an entry in ClinVar:

NM_000069.3(CACNA1S):c.2063+253C>T

Gene: CACNA1S (calcium voltage-gated channel subunit alpha1 S; minus strand). Cytogenetic location: 1q32.1.
Variant type: single nucleotide variant.
Coding change: c.2063+253C>T on transcript NM_000069.3 (MANE Select); 253 bases into the intron after coding-DNA position 2063, C replaced by T.
Molecular consequence: intron variant.
Genome position (GRCh38, 1-based): chr1:201,074,253, G>A on the plus strand (C>T on the coding strand, the complement: CACNA1S is on the minus strand). VCF-style: chr1-201074253-G-A. GRCh37 (hg19) VCF-style: chr1-201043381-G-A.
Identifiers: ClinVar variation 673576 (VCV000673576.1), dbSNP rs115456118, ClinGen allele CA35975255.

ClinVar aggregate classification (germline): Likely benign (1 of 4 stars; one submission).

Allele frequency attached by ClinVar (database versions not stated): gnomAD 0.00571 and 0.00603; TOPMed 0.00602; 1000 Genomes Project 0.00659; 1000 Genomes Project 30x 0.00828.
gnomAD v4.1: 858 of 152,324 alleles (0.56%); highest among the groups gnomAD compares: African/African-American, 1.9%; 12 homozygotes.

Submission:

GeneDx
Classification: Likely benign. Last evaluated: 2018-06-16. Review status: criteria provided, single submitter. Criteria: GeneDx Variant Classification (06012015). Collection method: clinical testing. Allele origin: germline. Affected: yes.
Comment: This variant is considered likely benign or benign based on one or more of the following criteria: it is a conservative change, it occurs at a poorly conserved position in the protein, it is predicted to be benign by multiple in silico algorithms, and/or has population frequency not consistent with disease.